The following is an entry in ClinVar:

NM_001003722.2(GLE1):c.1784C>A (p.Pro595His)

Genes: GLE1 (GLE1 RNA export mediator; plus strand), LOC101929270 (uncharacterized LOC101929270; minus strand). Cytogenetic location: 9q34.11.
Variant type: single nucleotide variant.
Coding change: c.1784C>A on transcript NM_001003722.2 (MANE Select); coding-DNA position 1784, C replaced by A.
Protein change: p.Pro595His; replaces proline 595 with histidine.
Molecular consequence: missense variant.
Genome position (GRCh38, 1-based): chr9:128,537,993, C>A. VCF-style: chr9-128537993-C-A. GRCh37 (hg19) VCF-style: chr9-131300272-C-A.
Other names: c.1811C>A, p.Pro604His (NM_001411013.1); c.1784C>A, p.Pro595His (NM_001499.2); short protein forms P595H, P604H.
Identifiers: ClinVar variation 3767208 (VCV003767208.1).

ClinVar aggregate classification (germline): Likely pathogenic (1 of 4 stars; one submission).

Conditions:
Lethal arthrogryposis-anterior horn cell disease syndrome (CAAHD). Also called: CONGENITAL ARTHROGRYPOSIS WITH ANTERIOR HORN CELL DISEASE. Identifiers: Orphanet 53696, MedGen C5193016, MONDO:0012750, OMIM 611890.

Submission:

Service de Génétique Médicale, Centre Hospitalier Universitaire de Nice-Université Côte d'Azur
Classification: Likely pathogenic for Lethal arthrogryposis-anterior horn cell disease syndrome. Last evaluated: 2024-02-27. Review status: criteria provided, single submitter. Criteria: ACMG Guidelines, 2015. Collection method: clinical testing. Allele origin: germline. Affected: yes.

Literature cited by the submitters: PubMed 38703036.